The following is an entry in ClinVar:

ClinVar aggregate classification (germline): Uncertain significance (1 of 4 stars; one submission).

Submission:

Labcorp Genetics (formerly Invitae), Labcorp
Classification: Uncertain significance. Last evaluated: 2022-12-23. Review status: criteria provided, single submitter. Criteria: Invitae Variant Classification Sherloc (09022015). Collection method: clinical testing. Allele origin: germline.
Comment: In summary, the available evidence is currently insufficient to determine the role of this variant in disease. Therefore, it has been classified as a Variant of Uncertain Significance. Algorithms developed to predict the effect of missense changes on protein structure and function are either unavailable or do not agree on the potential impact of this missense change (SIFT: "Deleterious"; PolyPhen-2: "Probably Damaging"; Align-GVGD: "Class C0"). This variant has not been reported in the literature in individuals affected with SETBP1-related conditions. This variant is not present in population databases (gnomAD no frequency). This sequence change replaces leucine, which is neutral and non-polar, with valine, which is neutral and non-polar, at codon 1595 of the SETBP1 protein (p.Leu1595Val).

NM_015559.3(SETBP1):c.4783C>G (p.Leu1595Val)

Gene: SETBP1 (SET binding protein 1; plus strand). Cytogenetic location: 18q12.3.
Variant type: single nucleotide variant.
Coding change: c.4783C>G on transcript NM_015559.3 (MANE Select); coding-DNA position 4783, C replaced by G.
Protein change: p.Leu1595Val; replaces leucine 1595 with valine.
Molecular consequence: missense variant.
Genome position (GRCh38, 1-based): chr18:45,063,690, C>G. VCF-style: chr18-45063690-C-G. GRCh37 (hg19) VCF-style: chr18-42643655-C-G.
Other names: c.4783C>G, p.Leu1595Val (NM_001379141.1, NM_001379142.1); c.4612C>G, p.Leu1538Val (NM_001410862.1); short protein forms L1538V, L1595V.
Identifiers: ClinVar variation 2823697 (VCV002823697.3), dbSNP rs762753017, ClinGen allele CA402484148.